The following is an entry in ClinVar:

NM_201384.3(PLEC):c.4513G>A (p.Asp1505Asn)

Gene: PLEC (plectin; minus strand). Cytogenetic location: 8q24.3.
Variant type: single nucleotide variant.
Coding change: c.4513G>A on transcript NM_201384.3 (MANE Select); coding-DNA position 4513, G replaced by A.
Protein change: p.Asp1505Asn; replaces aspartic acid 1505 with asparagine.
Molecular consequence: missense variant. On other transcripts: intron variant (1).
Genome position (GRCh38, 1-based): chr8:143,925,416, C>T on the plus strand (G>A on the coding strand, the complement: PLEC is on the minus strand). VCF-style: chr8-143925416-C-T. GRCh37 (hg19) VCF-style: chr8-144999584-C-T.
Other names: c.4594G>A (NM_000445.3); c.4594G>A, p.Asp1532Asn (NM_000445.5); c.4471G>A, p.Asp1491Asn (NM_201378.4); c.4447G>A, p.Asp1483Asn (NM_201379.3); c.4924G>A, p.Asp1642Asn (NM_201380.4); c.4417G>A, p.Asp1473Asn (NM_201381.3); c.4513G>A, p.Asp1505Asn (NM_201382.4); c.4525G>A, p.Asp1509Asn (NM_201383.3); and 1 more; short protein forms D1473N, D1483N, D1491N, D1505N, D1509N, D1532N, D1642N.
Identifiers: ClinVar variation 3751168 (VCV003751168.3).

ClinVar aggregate classification (germline): Uncertain significance. Review status: criteria provided, multiple submitters, no conflicts (2 of 4 stars). 2 submissions from 2 submitters: Uncertain significance (2). Last evaluated 2025-02-19.

Conditions:
Inborn genetic diseases. Identifiers: MedGen C0950123, MeSH D030342.
Epidermolysis bullosa simplex with nail dystrophy (EBS5D). Identifiers: MedGen C4225309, MONDO:0014661, OMIM 616487.
Epidermolysis bullosa simplex, Ogna type (EBS5A). Also called: Pidermolysis bullosa simplex 5A, Ogna type; EPIDERMOLYSIS BULLOSA SIMPLEX 5A, OGNA TYPE. Identifiers: Orphanet 79401, MedGen C0432317, MONDO:0007555, OMIM 131950.
Autosomal recessive limb-girdle muscular dystrophy type 2Q (LGMDR17). Also called: MUSCULAR DYSTROPHY, LIMB-GIRDLE, AUTOSOMAL RECESSIVE 17. Identifiers: Orphanet 254361, MedGen C3150989, MONDO:0013390, OMIM 613723.
Epidermolysis bullosa simplex 5B, with muscular dystrophy (EBS5B). Also called: EPIDERMOLYSIS BULLOSA SIMPLEX AND LIMB-GIRDLE MUSCULAR DYSTROPHY; Epidermolysis bullosa simplex with muscular dystrophy. Identifiers: Orphanet 257, MedGen C2931072, MONDO:0009181, OMIM 226670.
Epidermolysis bullosa simplex 5C, with pyloric atresia (EBS5C). Also called: PLEC-Related Epidermolysis Bullosa with Pyloric Atresia; Epidermolysis bullosa simplex with pyloric atresia; PLEC1-Related Epidermolysis Bullosa with Pyloric Atresia. Identifiers: Orphanet 158684, MedGen C2677349, MONDO:0012807, OMIM 612138.

Submissions (2):

Ambry Genetics
Classification: Uncertain significance for Inborn genetic diseases. Last evaluated: 2025-02-19. Review status: criteria provided, single submitter. Criteria: Ambry Variant Classification Scheme 2023. Collection method: clinical testing. Allele origin: germline.

Labcorp Genetics (formerly Invitae), Labcorp
Classification: Uncertain significance for Autosomal recessive limb-girdle muscular dystrophy type 2Q; Epidermolysis bullosa simplex, Ogna type; Epidermolysis bullosa simplex with nail dystrophy; Epidermolysis bullosa simplex 5C, with pyloric atresia; Epidermolysis bullosa simplex 5B, with muscular dystrophy. Last evaluated: 2024-12-19. Review status: criteria provided, single submitter. Criteria: Invitae Variant Classification Sherloc (09022015). Collection method: clinical testing. Allele origin: germline.
Comment: This sequence change replaces aspartic acid, which is acidic and polar, with asparagine, which is neutral and polar, at codon 1532 of the PLEC protein (p.Asp1532Asn). This variant is not present in population databases (gnomAD no frequency). This variant has not been reported in the literature in individuals affected with PLEC-related conditions. Invitae Evidence Modeling of protein sequence and biophysical properties (such as structural, functional, and spatial information, amino acid conservation, physicochemical variation, residue mobility, and thermodynamic stability) indicates that this missense variant is not expected to disrupt PLEC protein function with a negative predictive value of 80%. In summary, the available evidence is currently insufficient to determine the role of this variant in disease. Therefore, it has been classified as a Variant of Uncertain Significance.